The following is an entry in ClinVar:

ClinVar aggregate classification (germline): Conflicting classifications of pathogenicity. Review status: criteria provided, conflicting classifications (1 of 4 stars). 5 submissions from 5 submitters: Uncertain significance (1); Benign (1); Likely benign (2). 1 of the submissions does not count toward it. Last evaluated 2025-11-22.

Conditions:
ACO2-related disorder. Also called: ACO2-Related Disorders.
Infantile cerebellar-retinal degeneration (ICRD). Identifiers: Orphanet 313850, MedGen C3281192, MONDO:0013802, OMIM 614559.
Optic atrophy 9 (OPA9). Identifiers: MedGen C4225384, MONDO:0014571, OMIM 616289.

Allele frequency attached by ClinVar (database versions not stated): TOPMed 0.00037; 1000 Genomes Project 30x 0.00047; 1000 Genomes Project 0.00060.
gnomAD v4.1: 287 of 1,612,160 alleles (0.018%); highest among the groups gnomAD compares: East Asian, 0.61%; 2 homozygotes.

Submissions (6):

Labcorp Genetics (formerly Invitae), Labcorp
Classification: Likely benign. Last evaluated: 2025-11-22. Review status: criteria provided, single submitter. Criteria: Invitae Variant Classification Sherloc (09022015). Collection method: clinical testing. Allele origin: germline.

GeneDx
Classification: Uncertain significance. Last evaluated: 2025-08-13. Review status: criteria provided, single submitter. Criteria: GeneDx Variant Classification Process June 2021. Collection method: clinical testing. Allele origin: germline. Affected: yes.
Comment: In silico analysis supports that this missense variant has a deleterious effect on protein structure/function; Reported in multiple individuals with optic atrophy with another variant in ACO2 present and described as a hypomorphic allele (PMID: 39423307); This variant is associated with the following publications: (PMID: 34354088, 39423307, 33240976)

Blueprint Genetics
Classification: Benign. Last evaluated: 2024-07-26. Review status: criteria provided, single submitter. Criteria: ACMG Guidelines, 2015. Collection method: clinical testing. Allele origin: germline.

Fulgent Genetics
Classification: Likely benign for Infantile cerebellar-retinal degeneration; Optic atrophy 9. Last evaluated: 2021-09-21. Review status: criteria provided, single submitter. Criteria: ACMG Guidelines, 2015. Collection method: clinical testing. Allele origin: unknown.

PreventionGenetics, part of Exact Sciences
Classification: Likely benign for ACO2-related condition. Last evaluated: 2019-06-13. Review status: no assertion criteria provided. Collection method: clinical testing. Allele origin: germline. Not counted in ClinVar's aggregate classification.
Comment: This variant is classified as likely benign based on ACMG/AMP sequence variant interpretation guidelines (Richards et al. 2015 PMID: 25741868, with internal and published modifications).

Dr. Peter K. Rogan Lab, Western University
No classification provided (evidence only). Condition: Malignant tumor of esophagus. Review status: no classification provided. Collection method: in vitro. Allele origin: not applicable. Functional consequence: retained intron. Not counted in ClinVar's aggregate classification.

NM_001098.3(ACO2):c.1387G>T (p.Gly463Trp)

Gene: ACO2 (aconitase 2; plus strand). Cytogenetic location: 22q13.2.
Variant type: single nucleotide variant.
Coding change: c.1387G>T on transcript NM_001098.3 (MANE Select); coding-DNA position 1387, G replaced by T.
Protein change: p.Gly463Trp; replaces glycine 463 with tryptophan.
Molecular consequence: missense variant.
Genome position (GRCh38, 1-based): chr22:41,523,846, G>T. VCF-style: chr22-41523846-G-T. GRCh37 (hg19) VCF-style: chr22-41919850-G-T.
Other names: short protein forms G463W.
Identifiers: ClinVar variation 728759 (VCV000728759.17), dbSNP rs2006715, ClinGen allele CA10257638.